The following is an entry in ClinVar:

ClinVar aggregate classification (germline): Uncertain significance. Review status: criteria provided, multiple submitters, no conflicts (2 of 4 stars). 2 submissions from 2 submitters: Uncertain significance (2). Last evaluated 2024-06-13.

Conditions:
Fanconi anemia complementation group Q. Identifiers: Orphanet 84, MedGen C3808988, MONDO:0014108, OMIM 615272.
Xeroderma pigmentosum, group F (XPF). Also called: ERCC4-Related Xeroderma Pigmentosum; XERODERMA PIGMENTOSUM VI; XP, GROUP F; XERODERMA PIGMENTOSUM, COMPLEMENTATION GROUP F; XERODERMA PIGMENTOSUM, TYPE F; Xeroderma pigmentosum, type 6. Identifiers: MedGen C0268140, MONDO:0010215, OMIM 278760.
Cockayne syndrome. Identifiers: Orphanet 191, MedGen C0009207, MONDO:0016006.

Allele frequency attached by ClinVar (database versions not stated): gnomAD exomes below 0.00001; TOPMed 0.00001.
gnomAD v4.1: 4 of 1,613,416 alleles (0.00025%); highest among the groups gnomAD compares: African/African-American, 0.0013%; no homozygotes.

Submissions (2):

Labcorp Genetics (formerly Invitae), Labcorp
Classification: Uncertain significance for Fanconi anemia complementation group Q; Xeroderma pigmentosum, group F; Cockayne syndrome. Last evaluated: 2024-06-13. Review status: criteria provided, single submitter. Criteria: Invitae Variant Classification Sherloc (09022015). Collection method: clinical testing. Allele origin: germline.
Comment: This sequence change replaces isoleucine, which is neutral and non-polar, with valine, which is neutral and non-polar, at codon 337 of the ERCC4 protein (p.Ile337Val). This variant is not present in population databases (gnomAD no frequency). This variant has not been reported in the literature in individuals affected with ERCC4-related conditions. ClinVar contains an entry for this variant (Variation ID: 1319889). Advanced modeling of protein sequence and biophysical properties (such as structural, functional, and spatial information, amino acid conservation, physicochemical variation, residue mobility, and thermodynamic stability) performed at Invitae indicates that this missense variant is not expected to disrupt ERCC4 protein function with a negative predictive value of 80%. In summary, the available evidence is currently insufficient to determine the role of this variant in disease. Therefore, it has been classified as a Variant of Uncertain Significance.

Institute for Clinical Genetics, University Hospital TU Dresden, University Hospital TU Dresden
Classification: Uncertain significance. Last evaluated: 2021-11-03. Review status: criteria provided, single submitter. Criteria: ACMG Guidelines, 2015. Collection method: clinical testing. Allele origin: germline.

NM_005236.3(ERCC4):c.1009A>G (p.Ile337Val)

Gene: ERCC4 (ERCC excision repair 4, endonuclease catalytic subunit; plus strand). Cytogenetic location: 16p13.12.
Variant type: single nucleotide variant.
Coding change: c.1009A>G on transcript NM_005236.3 (MANE Select); coding-DNA position 1009, A replaced by G.
Protein change: p.Ile337Val; replaces isoleucine 337 with valine.
Molecular consequence: missense variant.
Genome position (GRCh38, 1-based): chr16:13,932,192, A>G. VCF-style: chr16-13932192-A-G. GRCh37 (hg19) VCF-style: chr16-14026049-A-G.
Other names: short protein forms I337V.
Identifiers: ClinVar variation 1319889 (VCV001319889.5), dbSNP rs1333280201, ClinGen allele CA394805237.